The following is an entry in ClinVar:

ClinVar aggregate classification (germline): Uncertain significance (1 of 4 stars; one submission).

Allele frequency attached by ClinVar (database versions not stated): gnomAD exomes 0.00001.
gnomAD v4.1: 8 of 1,614,224 alleles (0.0005%); highest among the groups gnomAD compares: Non-Finnish European, 0.00068%; no homozygotes.

Submission:

CeGaT Center for Human Genetics Tuebingen
Classification: Uncertain significance. Last evaluated: 2023-10-01. Review status: criteria provided, single submitter. Criteria: CeGaT Center For Human Genetics Tuebingen Variant Classification Criteria Version 2. Collection method: clinical testing. Allele origin: germline. Affected: yes. Observed: 1 variant allele.
Comment: RBM7: PM2

NM_001286045.2(RBM7):c.10G>C (p.Ala4Pro)

Gene: RBM7 (RNA binding motif protein 7; plus strand). Cytogenetic location: 11q23.2.
Variant type: single nucleotide variant.
Coding change: c.10G>C on transcript NM_001286045.2 (MANE Select); coding-DNA position 10, G replaced by C.
Protein change: p.Ala4Pro; replaces alanine 4 with proline.
Molecular consequence: missense variant. On other transcripts: 5 prime UTR variant (3).
Genome position (GRCh38, 1-based): chr11:114,400,681, G>C. VCF-style: chr11-114400681-G-C. GRCh37 (hg19) VCF-style: chr11-114271403-G-C.
Other names: c.-350G>C (NM_001286046.2); c.-191G>C (NM_001286047.2); c.-103G>C (NM_001286048.2); c.10G>C, p.Ala4Pro (NM_016090.4); short protein forms A4P.
Identifiers: ClinVar variation 2642389 (VCV002642389.24), dbSNP rs1448072131, ClinGen allele CA382679530.